The following is an entry in ClinVar:

NM_005477.3(HCN4):c.3223A>G (p.Thr1075Ala)

Gene: HCN4 (hyperpolarization activated cyclic nucleotide gated potassium channel 4; minus strand). Cytogenetic location: 15q24.1.
Variant type: single nucleotide variant.
Coding change: c.3223A>G on transcript NM_005477.3 (MANE Select); coding-DNA position 3223, A replaced by G.
Protein change: p.Thr1075Ala; replaces threonine 1075 with alanine.
Molecular consequence: missense variant.
Genome position (GRCh38, 1-based): chr15:73,322,870, T>C on the plus strand (A>G on the coding strand, the complement: HCN4 is on the minus strand). VCF-style: chr15-73322870-T-C. GRCh37 (hg19) VCF-style: chr15-73615211-T-C.
Other names: short protein forms T1075A.
Identifiers: ClinVar variation 3224723 (VCV003224723.1), dbSNP rs780495317, ClinGen allele CA7648863.
Genomic context (GRCh38, chr15:73,322,870, plus strand): 5'-GAGGCAGGGCTGGCTGAGACGCGGAGATGAGCTTGAGGTCCTGGGTGAGGCGGCCGGGGG[T>C]GAGCGGGGGTGTGCCCCGGCGCTGGGGGACCTGGGGTGGTGGGGGGCTGGATGCAGGTGG-3'
Protein context (NP_005468.1, residues 1065-1085): VPQRRGTPPL[Thr1075Ala]PGRLTQDLKL

ClinVar aggregate classification (germline): Uncertain significance (1 of 4 stars; one submission).

Conditions:
Cardiovascular phenotype. Identifiers: MedGen CN230736.

Allele frequency attached by ClinVar (database versions not stated): gnomAD exomes 0.00001; ExAC 0.00015.
gnomAD v4.1: 3 of 1,468,302 alleles (0.0002%); highest among the groups gnomAD compares: Non-Finnish European, 0.00027%; no homozygotes.

Submission:

Ambry Genetics
Classification: Uncertain significance for Cardiovascular phenotype. Last evaluated: 2023-12-03. Review status: criteria provided, single submitter. Criteria: Ambry Variant Classification Scheme 2023. Collection method: clinical testing. Allele origin: germline.
Comment: The p.T1075A variant (also known as c.3223A>G), located in coding exon 8 of the HCN4 gene, results from an A to G substitution at nucleotide position 3223. The threonine at codon 1075 is replaced by alanine, an amino acid with similar properties. This amino acid position is conserved. In addition, this alteration is predicted to be tolerated by in silico analysis. Since supporting evidence is limited at this time, the clinical significance of this alteration remains unclear.